The following is an entry in ClinVar:

ClinVar aggregate classification (germline): Likely benign. Review status: criteria provided, single submitter (1 of 4 stars). 2 submissions from 2 submitters: Likely benign (1). 1 of the submissions does not count toward it. Last evaluated 2026-02-02.

Conditions:
CTNNB1-related disorder. Also called: CTNNB1-related condition.

Allele frequency attached by ClinVar (database versions not stated): TOPMed below 0.00001; gnomAD exomes 0.00001 and 0.00002; ExAC 0.00002.
gnomAD v4.1: 13 of 1,614,030 alleles (0.00081%); highest among the groups gnomAD compares: Middle Eastern, 0.016%; no homozygotes.

Submissions (2):

Labcorp Genetics (formerly Invitae), Labcorp
Classification: Likely benign. Last evaluated: 2026-02-02. Review status: criteria provided, single submitter. Criteria: Invitae Variant Classification Sherloc (09022015). Collection method: clinical testing. Allele origin: germline.

PreventionGenetics, part of Exact Sciences
Classification: Likely benign for CTNNB1-related condition. Last evaluated: 2022-06-08. Review status: no assertion criteria provided. Collection method: clinical testing. Allele origin: germline. Not counted in ClinVar's aggregate classification.
Comment: This variant is classified as likely benign based on ACMG/AMP sequence variant interpretation guidelines (Richards et al. 2015 PMID: 25741868, with internal and published modifications).

NM_001904.4(CTNNB1):c.417G>A (p.Leu139=)

Genes: CTNNB1 (catenin beta 1; plus strand), LOC126806658 (BRD4-independent group 4 enhancer GRCh37_chr3:41265899-41267098; plus strand). Cytogenetic location: 3p22.1.
Variant type: single nucleotide variant.
Coding change: c.417G>A on transcript NM_001904.4 (MANE Select); coding-DNA position 417, G replaced by A.
Protein change: p.Leu139=; no amino-acid change (leucine 139 retained).
Molecular consequence: synonymous variant.
Genome position (GRCh38, 1-based): chr3:41,225,129, G>A. VCF-style: chr3-41225129-G-A. GRCh37 (hg19) VCF-style: chr3-41266620-G-A.
Other names: c.417G>A, p.Leu139= (NM_001098209.2, NM_001098210.2); c.396G>A, p.Leu132= (NM_001330729.2); c.417G>A (NM_001904.3).
Identifiers: ClinVar variation 1556570 (VCV001556570.10), dbSNP rs749833775, ClinGen allele CA2330907.